The following is an entry in ClinVar:

ClinVar aggregate classification (germline): Pathogenic (1 of 4 stars; one submission).

Conditions:
POLG-related disorder. Also called: POLG-Related Spectrum Disorders; POLG-related condition; POLG-Related Disorders. Identifiers: MedGen C4763519.

Submission:

Myriad Genetics, Inc.
Classification: Pathogenic for POLG-related disorder. Last evaluated: 2024-06-01. Review status: criteria provided, single submitter. Criteria: Myriad Autosomal Dominant, Autosomal Recessive and X-Linked Classification Criteria (2023). Collection method: clinical testing. Allele origin: unknown.
Comment: NM_002693.2(POLG):c.2413delC(H805Ifs*21) is expected to be pathogenic in the context of POLG-related disorders. This variant is predicted to lead to an abnormal or absent protein product due to the creation of a premature termination codon in POLG, a gene where loss-of-function variants are known to be pathogenic. Please note: this variant was assessed in the context of healthy population screening.

NM_002693.3(POLG):c.2413del (p.His805fs)

Gene: POLG (DNA polymerase gamma, catalytic subunit; minus strand). Cytogenetic location: 15q26.1.
Variant type: Deletion.
Coding change: c.2413del on transcript NM_002693.3 (MANE Select); coding-DNA position 2413, one base deleted (C; older notation c.2413delC).
Protein change: p.His805fs; shifts the reading frame from histidine 805.
Molecular consequence: frameshift variant.
Genome position (GRCh38, 1-based): chr15:89,322,755, G deleted on the plus strand (C on the coding strand, the reverse complement: POLG is on the minus strand); the first of 3 consecutive G bases (chr15:89,322,755-89,322,757); deleting any one gives the same sequence. VCF-style (leftmost placement, unchanged base first): chr15-89322754-TG-T. GRCh37 (hg19) VCF-style: chr15-89865985-TG-T.
Other names: c.2413del, p.His805fs (NM_001126131.2); short protein forms H805fs.
Identifiers: ClinVar variation 5013133 (VCV005013133.1).